The following is an entry in ClinVar:

NM_005012.4(ROR1):c.1926C>T (p.Ser642=)

Gene: ROR1 (receptor tyrosine kinase like orphan receptor 1; plus strand). Cytogenetic location: 1p31.3.
Variant type: single nucleotide variant.
Coding change: c.1926C>T on transcript NM_005012.4 (MANE Select); coding-DNA position 1926, C replaced by T.
Protein change: p.Ser642=; no amino-acid change (serine 642 retained).
Molecular consequence: synonymous variant.
Genome position (GRCh38, 1-based): chr1:64,177,967, C>T. VCF-style: chr1-64177967-C-T. GRCh37 (hg19) VCF-style: chr1-64643650-C-T.
Identifiers: ClinVar variation 586410 (VCV000586410.16), dbSNP rs35586842, ClinGen allele CA890346.
Genomic context (GRCh38, chr1:64,177,967, plus strand): 5'-AATCGGAGAGCAACTTCATGTAAAGATTTCAGACTTGGGGCTTTCCAGAGAAATTTACTC[C>T]GCTGATTACTACAGGGTCCAGAGTAAGTCCTTGCTGCCCATTCGCTGGATGCCCCCTGAA-3'
Protein context (NP_005003.2, residues 632-652): SDLGLSREIY[Ser642=]ADYYRVQSKS

ClinVar aggregate classification (germline): Benign. Review status: criteria provided, multiple submitters, no conflicts (2 of 4 stars). 5 submissions from 5 submitters: Benign (4). 1 of the submissions does not count toward it. Last evaluated 2026-01-19.

Conditions:
ROR1-related disorder. Also called: ROR1-related condition.

Allele frequency attached by ClinVar (database versions not stated): gnomAD exomes 0.00683; ExAC 0.00799; 1000 Genomes Project 0.02436; gnomAD 0.02509 and 0.02694; 1000 Genomes Project 30x 0.02592; ESP Exome Variant Server 0.02691; TOPMed 0.02786.
gnomAD v4.1: 7,718 of 1,614,136 alleles (0.48%); highest among the groups gnomAD compares: African/African-American, 8.8%; 302 homozygotes.

Submissions (5):

Labcorp Genetics (formerly Invitae), Labcorp
Classification: Benign. Last evaluated: 2026-01-19. Review status: criteria provided, single submitter. Criteria: Invitae Variant Classification Sherloc (09022015). Collection method: clinical testing. Allele origin: germline.

GeneDx
Classification: Benign. Last evaluated: 2021-05-04. Review status: criteria provided, single submitter. Criteria: GeneDx Variant Classification Process June 2021. Collection method: clinical testing. Allele origin: germline. Affected: yes.

Athena Diagnostics
Classification: Benign. Last evaluated: 2018-05-24. Review status: criteria provided, single submitter. Criteria: Athena Diagnostics Criteria. Collection method: clinical testing. Allele origin: germline.

Breakthrough Genomics
Classification: Benign. Review status: criteria provided, single submitter. Criteria: ACMG Guidelines, 2015. Collection method: not provided. Allele origin: germline. Inheritance: Autosomal recessive inheritance. Affected: yes.

PreventionGenetics, part of Exact Sciences
Classification: Benign for ROR1-related condition. Last evaluated: 2019-08-07. Review status: no assertion criteria provided. Collection method: clinical testing. Allele origin: germline. Not counted in ClinVar's aggregate classification.
Comment: This variant is classified as benign based on ACMG/AMP sequence variant interpretation guidelines (Richards et al. 2015 PMID: 25741868, with internal and published modifications).